The following is an entry in ClinVar:

NM_001039672.3(YIF1B):c.841_861delinsAGACGCAG (p.Pro281fs)

Gene: YIF1B (Yip1 interacting factor homolog B, membrane trafficking protein; minus strand). Cytogenetic location: 19q13.2.
Variant type: Indel.
Coding change: c.841_861delinsAGACGCAG on transcript NM_001039672.3 (MANE Select); coding-DNA positions 841 to 861, CCGGTGCGTGGGGCCCGGAAC replaced by AGACGCAG.
Protein change: p.Pro281fs; shifts the reading frame from proline 281.
Molecular consequence: frameshift variant. On other transcripts: 3 prime UTR variant (1).
Genome position (GRCh38, 1-based): chr19:38,305,436-38,305,456, GTTCCGGGCCCCACGCACCGG replaced by CTGCGTCT on the plus strand (CCGGTGCGTGGGGCCCGGAAC replaced by AGACGCAG on the coding strand, the reverse complement: YIF1B is on the minus strand). VCF-style: chr19-38305436-GTTCCGGGCCCCACGCACCGG-CTGCGTCT. GRCh37 (hg19) VCF-style: chr19-38796076-GTTCCGGGCCCCACGCACCGG-CTGCGTCT.
Other names: c.796_816delinsAGACGCAG, p.Pro266fs (NM_001039671.3); c.832_852delinsAGACGCAG, p.Pro278fs (NM_001039673.3); c.790_810delinsAGACGCAG, p.Pro264fs (NM_001145461.2); c.748_768delinsAGACGCAG, p.Pro250fs (NM_001145462.2); c.*33_*53delinsAGACGCAG (NM_001145463.2); short protein forms P250fs, P264fs, P266fs, P278fs, P281fs.
Identifiers: ClinVar variation 1707014 (VCV001707014.2), dbSNP rs2513617909, ClinGen allele CA2580096913.

ClinVar aggregate classification (germline): Uncertain significance (1 of 4 stars; one submission).

Submission:

GeneDx
Classification: Uncertain significance. Last evaluated: 2022-03-19. Review status: criteria provided, single submitter. Criteria: GeneDx Variant Classification Process June 2021. Collection method: clinical testing. Allele origin: germline. Affected: yes.
Comment: Not observed at significant frequency in large population cohorts (gnomAD); Frameshift variant predicted to result in protein truncation as the last 34 amino acids are replaced with 8 different amino acids, although loss-of-function variants have not been reported downstream of this position in the protein; Has not been previously published as pathogenic or benign to our knowledge